The following is an entry in ClinVar:

ClinVar aggregate classification (germline): Uncertain significance (1 of 4 stars; one submission).

Conditions:
WNT10A-related disorder. Also called: WNT10A-related disorders; WNT10A-related condition.

gnomAD v4.1: 64 of 1,613,996 alleles (0.004%); highest among the groups gnomAD compares: Non-Finnish European, 0.0047%; no homozygotes.

Submission:

PreventionGenetics, part of Exact Sciences
Classification: Uncertain significance for WNT10A-related condition. Last evaluated: 2025-08-18. Review status: criteria provided, single submitter. Criteria: ACMG Guidelines, 2015. Collection method: clinical testing. Allele origin: germline.
Comment: The WNT10A c.257T>C variant is predicted to result in the amino acid substitution p.Ile86Thr. To our knowledge, this variant has not been reported in the literature. This variant is reported in 0.0062% of alleles in individuals of African descent in gnomAD. At this time, the clinical significance of this variant is uncertain due to the absence of conclusive functional and genetic evidence.

NM_025216.3(WNT10A):c.257T>C (p.Ile86Thr)

Gene: WNT10A (Wnt family member 10A; plus strand). Cytogenetic location: 2q35.
Variant type: single nucleotide variant.
Coding change: c.257T>C on transcript NM_025216.3 (MANE Select); coding-DNA position 257, T replaced by C.
Protein change: p.Ile86Thr; replaces isoleucine 86 with threonine.
Molecular consequence: missense variant.
Genome position (GRCh38, 1-based): chr2:218,882,304, T>C. VCF-style: chr2-218882304-T-C. GRCh37 (hg19) VCF-style: chr2-219747026-T-C.
Other names: short protein forms I86T.
Identifiers: ClinVar variation 4996901 (VCV004996901.1).
Genomic context (GRCh38, chr2:218,882,304, plus strand): 5'-GCCTGAGCCGGCGGCAGATGGAGGTGTGTGTGCGTCACCCTGATGTGGCTGCCTCAGCCA[T>C]ACAGGGCATCCAGATCGCCATCCACGAATGCCAACACCAATTCAGGGACCAGCGCTGGAA-3'
Protein context (NP_079492.2, residues 76-96): VRHPDVAASA[Ile86Thr]QGIQIAIHEC